The following is an entry in ClinVar:

NM_004586.3(RPS6KA3):c.704T>A (p.Met235Lys)

Gene: RPS6KA3 (ribosomal protein S6 kinase A3; minus strand). Cytogenetic location: Xp22.12.
Variant type: single nucleotide variant.
Coding change: c.704T>A on transcript NM_004586.3 (MANE Select); coding-DNA position 704, T replaced by A.
Protein change: p.Met235Lys; replaces methionine 235 with lysine.
Molecular consequence: missense variant.
Genome position (GRCh38, 1-based): chrX:20,187,898, A>T on the plus strand (T>A on the coding strand, the complement: RPS6KA3 is on the minus strand). VCF-style: chrX-20187898-A-T. GRCh37 (hg19) VCF-style: chrX-20206016-A-T.
Other names: c.620T>A, p.Met207Lys (NM_001438340.1); short protein forms M207K, M235K.
Identifiers: ClinVar variation 4871710 (VCV004871710.1).
Genomic context (GRCh38, chrX:20,187,898, plus strand): 5'-CCAAAAGACCACCAGTCAGCACTCTGAGTATGACCTCGACGATTAACTACTTCTGGAGCC[A>T]TATACTCCACAGTTCCACAAAAAGAATATGCCTTCTTTTCATGGTCAATAGACTCTTTAC-3'
Protein context (NP_004577.1, residues 225-245): AYSFCGTVEY[Met235Lys]APEVVNRRGH

ClinVar aggregate classification (germline): Likely pathogenic (1 of 4 stars; one submission).

Conditions:
Coffin-Lowry syndrome (CLS). Also called: COFFIN-LOWRY SYNDROME, MILD; Mental retardation with osteocartilaginous abnormalities. Identifiers: Orphanet 192, MedGen C0265252, MONDO:0010561, OMIM 303600.

Submission:

Centro Nacional de Genética Medica, Administración Nacional de Laboratorios e Institutos de Salud (ANLIS) “Dr. Carlos G Malbrán”
Classification: Likely pathogenic for Coffin-Lowry syndrome. Last evaluated: 2025-12-29. Review status: criteria provided, single submitter. Criteria: ACMG Guidelines, 2015. Collection method: clinical testing. Allele origin: germline. Affected: yes. Observed: 4 variant alleles. Clinical features observed: Hyperactivity (HP:0000752), Wide mouth (HP:0000154), Thick vermilion border (HP:0012471), Motor delay (HP:0001270), Intellectual disability (HP:0001249), Open mouth (HP:0000194), Ptosis (HP:0000508), Bulbous nose (HP:0000414), Hyperesthesia (HP:0100963), Smooth philtrum (HP:0000319), Short attention span (HP:0000736), Retrognathia (HP:0000278), and 9 more.
Comment: The variant is located in the protein kinase functional domain (PF00069). This domain contains the catalytic function of the protein, transferring phosphate groups to target proteins (PMID: 1956325). Numerous reports exist of missense variants in this domain, classified as pathogenic or probably pathogenic and related to this pathology (PMID: 10528858; PMID: 17100996; PMID: 11180593) (PM1). This variant is absent from population databases such as GnomAD, ExAc, or 1000 Genomes (PM2_Supporting). This is a variant in a gene with a low number of benign missense variants (11) compared to pathogenic missense variants (47), according to the GnomAD database (Genome Aggregation Database: gnomAD v4.1.0™). This gene exhibits low tolerance to missense changes, with a Z-score of 4.52 according to gnomAD SVs v2.1™ (PP2). Most bioinformatics predictors classify the variant as deleterious, suggesting that the p.Met235Lys change could affect protein activity (Revel: Deleterious Supporting 0.75, AlphaMissense: Deleterious Strong 1, BayesDel: Deleterious Supporting 0.19) (PP3). The patient's phenotype is highly specific for SCL, and the variant found in the RPS6KA3 gene could explain its clinical presentation (PP4).

Literature cited by the submitters: PubMed 1956325; PubMed 10528858; PubMed 17100996; PubMed 11180593.